The following is an entry in ClinVar:

NM_003322.6(TULP1):c.901del (p.Gln301fs)

Gene: TULP1 (TUB like protein 1; minus strand). Cytogenetic location: 6p21.31.
Variant type: Deletion.
Coding change: c.901del on transcript NM_003322.6 (MANE Select); coding-DNA position 901, one base deleted (C; older notation c.901delC).
Protein change: p.Gln301fs; shifts the reading frame from glutamine 301.
Molecular consequence: frameshift variant.
Genome position (GRCh38, 1-based): chr6:35,506,101, G deleted on the plus strand (C on the coding strand, the reverse complement: TULP1 is on the minus strand); the first of 6 consecutive G bases (chr6:35,506,101-35,506,106); deleting any one gives the same sequence. VCF-style (leftmost placement, unchanged base first): chr6-35506100-TG-T. GRCh37 (hg19) VCF-style: chr6-35473877-TG-T.
Other names: c.742del, p.Gln248fs (NM_001289395.2); short protein forms Q248fs, Q301fs.
Identifiers: ClinVar variation 99674 (VCV000099674.7), dbSNP rs62636292, ClinGen allele CA227718.

ClinVar aggregate classification (germline): Pathogenic. Review status: criteria provided, multiple submitters, no conflicts (2 of 4 stars). 4 submissions from 4 submitters: Pathogenic (3). 1 of the submissions does not count toward it. Last evaluated 2024-10-14.

Conditions:
TULP1-related disorder. Also called: TULP1-related disorders; TULP1-related condition.
Leber congenital amaurosis 15 (LCA15). Identifiers: Orphanet 65, MedGen C3151206, MONDO:0013457, OMIM 613843.
Retinitis pigmentosa 14 (RP14). Also called: RETINITIS PIGMENTOSA, JUVENILE, TULP1-RELATED. Identifiers: Orphanet 791, MedGen C1838603, MONDO:0010827, OMIM 600132.

Submissions (4):

Labcorp Genetics (formerly Invitae), Labcorp
Classification: Pathogenic. Last evaluated: 2024-10-14. Review status: criteria provided, single submitter. Criteria: Invitae Variant Classification Sherloc (09022015). Collection method: clinical testing. Allele origin: germline.
Comment: This sequence change creates a premature translational stop signal (p.Gln301Argfs*9) in the TULP1 gene. It is expected to result in an absent or disrupted protein product. Loss-of-function variants in TULP1 are known to be pathogenic (PMID: 8606774, 10549638, 15024725, 18055821). This variant is not present in population databases (gnomAD no frequency). This premature translational stop signal has been observed in individual(s) with retinitis pigmentosa (PMID: 22665969). This variant is also known as c.937delC. ClinVar contains an entry for this variant (Variation ID: 99674). For these reasons, this variant has been classified as Pathogenic.

Fulgent Genetics
Classification: Pathogenic for Retinitis pigmentosa 14; Leber congenital amaurosis 15. Last evaluated: 2024-05-16. Review status: criteria provided, single submitter. Criteria: ACMG Guidelines, 2015. Collection method: clinical testing. Allele origin: germline.

Blueprint Genetics
Classification: Pathogenic for TULP1-related disorders. Last evaluated: 2022-06-24. Review status: criteria provided, single submitter. Criteria: ACMG Guidelines, 2015. Collection method: clinical testing. Allele origin: germline. Affected: yes. Observed: 1 variant allele.

Retina International
No classification provided. Review status: no classification provided. Collection method: not provided. Allele origin: not provided. Not counted in ClinVar's aggregate classification.

Literature cited by the submitters: PubMed 8606774 (cited by Labcorp Genetics (formerly Invitae), Labcorp); PubMed 10549638 (cited by Labcorp Genetics (formerly Invitae), Labcorp); PubMed 15024725 (cited by Labcorp Genetics (formerly Invitae), Labcorp); PubMed 18055821 (cited by Labcorp Genetics (formerly Invitae), Labcorp); PubMed 22665969 (cited by Labcorp Genetics (formerly Invitae), Labcorp).